The following is an entry in ClinVar:

ClinVar aggregate classification (germline): Benign/Likely benign. Review status: criteria provided, multiple submitters, no conflicts (2 of 4 stars). 11 submissions from 11 submitters: Benign (3); Likely benign (4). 4 of the submissions do not count toward it. Last evaluated 2026-04-01.

Conditions:
Finnish type amyloidosis. Also called: Lattice corneal dystrophy associated with familial systemic amyloidosis; Meretoja's syndrome; Lattice dystrophy of the cornea with hereditary generalized amyloidosis; AMYLOIDOSIS, HEREDITARY SYSTEMIC 4, FINNISH TYPE; AMYLOID CRANIAL NEUROPATHY WITH LATTICE CORNEAL DYSTROPHY; AMYLOIDOSIS DUE TO MUTANT GELSOLIN. Identifiers: Orphanet 85448, MedGen C1622345, MONDO:0007097, OMIM 105120.
GSN-related disorder. Also called: GSN-related condition.
Inborn genetic diseases. Identifiers: MedGen C0950123, MeSH D030342.

Allele frequency attached by ClinVar (database versions not stated): 1000 Genomes Project 30x 0.00031; 1000 Genomes Project 0.00040; TOPMed 0.00097; gnomAD 0.00098 and 0.00103; gnomAD exomes 0.00103; ESP Exome Variant Server 0.00154.
gnomAD v4.1: 2,357 of 1,613,836 alleles (0.15%); highest among the groups gnomAD compares: Non-Finnish European, 0.18%; 2 homozygotes.

Submissions (11):

CeGaT Center for Human Genetics Tuebingen
Classification: Benign. Last evaluated: 2026-04-01. Review status: criteria provided, single submitter. Criteria: CeGaT Center For Human Genetics Tuebingen Variant Classification Criteria Version 2. Collection method: clinical testing. Allele origin: germline. Affected: yes. Observed: 4 variant alleles.
Comment: GSN: BP4, BS1, BS2

Labcorp Genetics (formerly Invitae), Labcorp
Classification: Likely benign. Last evaluated: 2026-01-21. Review status: criteria provided, single submitter. Criteria: Invitae Variant Classification Sherloc (09022015). Collection method: clinical testing. Allele origin: germline.

PreventionGenetics, part of Exact Sciences
Classification: Likely benign for GSN-related condition. Last evaluated: 2025-04-25. Review status: criteria provided, single submitter. Criteria: ACMG Guidelines, 2015. Collection method: clinical testing. Allele origin: germline.
Comment: This variant is classified as likely benign based on ACMG/AMP sequence variant interpretation guidelines (Richards et al. 2015 PMID: 25741868, with internal and published modifications).

Ambry Genetics
Classification: Likely benign for Inborn genetic diseases. Last evaluated: 2020-08-11. Review status: criteria provided, single submitter. Criteria: Ambry Variant Classification Scheme 2023. Collection method: clinical testing. Allele origin: germline.

Mayo Clinic Laboratories, Mayo Clinic
Classification: Benign. Last evaluated: 2020-01-30. Review status: criteria provided, single submitter. Criteria: ACMG Guidelines, 2015. Collection method: clinical testing. Allele origin: germline. Observed: 5 variant alleles.

Illumina Laboratory Services, Illumina
Classification: Benign for Finnish type amyloidosis. Last evaluated: 2018-01-13. Review status: criteria provided, single submitter. Criteria: ICSL Variant Classification Criteria 13 December 2019. Collection method: clinical testing. Allele origin: germline.
Comment: This variant was observed in the ICSL laboratory as part of a predisposition screen in an ostensibly healthy population. It had not been previously curated by ICSL or reported in the Human Gene Mutation Database (HGMD: prior to June 1st, 2018), and was therefore a candidate for classification through an automated scoring system. Utilizing variant allele frequency, disease prevalence and penetrance estimates, and inheritance mode, an automated score was calculated to assess if this variant is too frequent to cause the disease. Based on the score and internal cut-off values, a variant classified as benign is not then subjected to further curation. The score for this variant resulted in a classification of benign for this disease.

Breakthrough Genomics
Classification: Likely benign. Review status: criteria provided, single submitter. Criteria: ACMG Guidelines, 2015. Collection method: not provided. Allele origin: germline. Inheritance: Autosomal dominant inheritance. Affected: yes.

Genetic Services Laboratory, University of Chicago
Classification: Likely benign. Last evaluated: 2022-11-23. Review status: no assertion criteria provided. Collection method: clinical testing. Allele origin: germline. Affected: no. Not counted in ClinVar's aggregate classification.

Clinical Genetics DNA and cytogenetics Diagnostics Lab, Erasmus MC, Erasmus Medical Center
Classification: Likely benign. Review status: no assertion criteria provided. Collection method: clinical testing. Allele origin: germline. Affected: yes. Study: VKGL Data-share Consensus. Not counted in ClinVar's aggregate classification.

Genome Diagnostics Laboratory, University Medical Center Utrecht
Classification: Likely benign. Review status: no assertion criteria provided. Collection method: clinical testing. Allele origin: germline. Affected: yes. Study: VKGL Data-share Consensus. Not counted in ClinVar's aggregate classification.

Laboratory of Diagnostic Genome Analysis, Leiden University Medical Center (LUMC)
Classification: Likely benign. Review status: no assertion criteria provided. Collection method: clinical testing. Allele origin: germline. Affected: yes. Study: VKGL Data-share Consensus. Not counted in ClinVar's aggregate classification.

NM_198252.3(GSN):c.1225G>A (p.Val409Met)

Gene: GSN (gelsolin; plus strand). Cytogenetic location: 9q33.2.
Variant type: single nucleotide variant.
Coding change: c.1225G>A on transcript NM_198252.3 (MANE Select); coding-DNA position 1225, G replaced by A.
Protein change: p.Val409Met; replaces valine 409 with methionine.
Molecular consequence: missense variant.
Genome position (GRCh38, 1-based): chr9:121,321,301, G>A. VCF-style: chr9-121321301-G-A. GRCh37 (hg19) VCF-style: chr9-124083579-G-A.
Other names: p.Val460Met; c.1378G>A, p.Val460Met (NM_000177.5); c.1225G>A, p.Val409Met (NM_001127662.2, NM_001127664.2, NM_001127665.2 and 10 more transcripts); c.1333G>A, p.Val445Met (NM_001127663.2); c.1258G>A, p.Val420Met (NM_001127666.2, NM_001127667.2, NM_001353063.2 and 13 more transcripts); c.1276G>A, p.Val426Met (NM_001258029.2); c.1249G>A, p.Val417Met (NM_001258030.2); c.1297G>A, p.Val433Met (NM_001353076.2); and 1 more; short protein forms V420M, V460M, V409M, V445M, V191M, V417M, V426M, V433M.
Identifiers: ClinVar variation 364811 (VCV000364811.46), dbSNP rs140042418, ClinGen allele CA5221194.